The following is an entry in ClinVar:

NM_001267550.2(TTN):c.20008del (p.Phe6669_Val6670insTer)

Genes: TTN (titin; minus strand), LOC126806429 (BRD4-independent group 4 enhancer GRCh37_chr2:179591393-179592592; plus strand). Cytogenetic location: 2q31.2.
Variant type: Deletion.
Coding change: c.20008del on transcript NM_001267550.2 (MANE Select); coding-DNA position 20008, one base deleted (G; older notation c.20008delG).
Protein change: p.Phe6669_Val6670insTer.
Molecular consequence: nonsense. On other transcripts: intron variant (3).
Genome position (GRCh38, 1-based): chr2:178,727,357, C deleted on the plus strand (G on the coding strand, the reverse complement: TTN is on the minus strand). VCF-style (leftmost placement, unchanged base first): chr2-178727356-AC-A. GRCh37 (hg19) VCF-style: chr2-179592083-AC-A.
Other names: c.19057del, p.Phe6352_Val6353insTer (NM_001256850.1); c.16276del, p.Phe5425_Val5426insTer (NM_133378.4); c.13282+10725del (NM_003319.4); c.13858+10725del (NM_133437.4); c.13657+10725del (NM_133432.3).
Identifiers: ClinVar variation 2947529 (VCV002947529.3), dbSNP rs2529782284, ClinGen allele CA2740095931.

ClinVar aggregate classification (germline): Likely pathogenic (1 of 4 stars; one submission).

Conditions:
Dilated cardiomyopathy 1G (CMD1G). Identifiers: Orphanet 154, MedGen C1858763, MONDO:0011400, OMIM 604145.
Autosomal recessive limb-girdle muscular dystrophy type 2J (LGMDR10). Also called: Limb-girdle muscular dystrophy, type 2J; MUSCULAR DYSTROPHY, LIMB-GIRDLE, AUTOSOMAL RECESSIVE 10. Identifiers: Orphanet 140922, MedGen C1837342, MONDO:0012127, OMIM 608807.

Submission:

Labcorp Genetics (formerly Invitae), Labcorp
Classification: Likely pathogenic for Dilated cardiomyopathy 1G; Autosomal recessive limb-girdle muscular dystrophy type 2J. Last evaluated: 2024-10-18. Review status: criteria provided, single submitter. Criteria: Invitae Variant Classification Sherloc (09022015). Collection method: clinical testing. Allele origin: germline.
Comment: This sequence change creates a premature translational stop signal (p.Val6670*) in the TTN gene. While this is not anticipated to result in nonsense mediated decay, it is expected to create a truncated TTN protein. This variant is not present in population databases (gnomAD no frequency). This variant has not been reported in the literature in individuals affected with TTN-related conditions. This variant is located in the I band of TTN (PMID: 25589632). Truncating variants in this region have been reported in individuals affected with autosomal recessive centronuclear myopathy (PMID: 23975875, internal data). Truncating variants in this region have also been identified in individuals affected with autosomal dominant dilated cardiomyopathy and/or cardio-related conditions (PMID: 27869827, 32964742, internal data). In summary, the currently available evidence indicates that the variant is pathogenic, but additional data are needed to prove that conclusively. Therefore, this variant has been classified as Likely Pathogenic.

Literature cited by the submitters: PubMed 25589632; PubMed 23975875; PubMed 27869827; PubMed 32964742.